The following is an entry in ClinVar:

NM_018127.7(ELAC2):c.2368G>A (p.Val790Met)

Gene: ELAC2 (elaC ribonuclease Z 2; minus strand). Cytogenetic location: 17p12.
Variant type: single nucleotide variant.
Coding change: c.2368G>A on transcript NM_018127.7 (MANE Select); coding-DNA position 2368, G replaced by A.
Protein change: p.Val790Met; replaces valine 790 with methionine.
Molecular consequence: missense variant.
Genome position (GRCh38, 1-based): chr17:12,992,931, C>T on the plus strand (G>A on the coding strand, the complement: ELAC2 is on the minus strand). VCF-style: chr17-12992931-C-T. GRCh37 (hg19) VCF-style: chr17-12896248-C-T.
Other names: c.2248G>A, p.Val750Met (NM_001165962.2); c.2365G>A, p.Val789Met (NM_173717.2); short protein forms V790M, V750M, V789M.
Identifiers: ClinVar variation 2114095 (VCV002114095.4), dbSNP rs1480958585, ClinGen allele CA398222216.
Genomic context (GRCh38, chr17:12,992,931, plus strand): 5'-GCTGAGGCTCCCCATCCTCCAGGCCGCCTGCCAGCTCCCTGGACAGGAGGGCCGCCCGCA[C>T]CTGCCGCAGCTCCCGCTTCTCCCTGCGCTCCTCCATCTCCTCGATGTCGCCAGCAAACAG-3'
Protein context (NP_060597.4, residues 780-800): ERREKRELRQ[Val790Met]RAALLSRELA

ClinVar aggregate classification (germline): Uncertain significance (1 of 4 stars; one submission).

Conditions:
Combined oxidative phosphorylation defect type 17. Also called: Combined oxidative phosphorylation deficiency 17. Identifiers: Orphanet 369913, MedGen C3809526, MONDO:0014190, OMIM 615440.

Allele frequency attached by ClinVar (database versions not stated): gnomAD exomes below 0.00001.
gnomAD v4.1: 1 of 1,611,548 alleles (0.000062%); highest among the groups gnomAD compares: Non-Finnish European, 0.000085%; no homozygotes.

Submission:

Labcorp Genetics (formerly Invitae), Labcorp
Classification: Uncertain significance for Combined oxidative phosphorylation defect type 17. Last evaluated: 2022-03-19. Review status: criteria provided, single submitter. Criteria: Invitae Variant Classification Sherloc (09022015). Collection method: clinical testing. Allele origin: germline.
Comment: In summary, the available evidence is currently insufficient to determine the role of this variant in disease. Therefore, it has been classified as a Variant of Uncertain Significance. Algorithms developed to predict the effect of missense changes on protein structure and function are either unavailable or do not agree on the potential impact of this missense change (SIFT: "Tolerated"; PolyPhen-2: "Possibly Damaging"; Align-GVGD: "Class C0"). This variant has not been reported in the literature in individuals affected with ELAC2-related conditions. This variant is not present in population databases (gnomAD no frequency). This sequence change replaces valine, which is neutral and non-polar, with methionine, which is neutral and non-polar, at codon 790 of the ELAC2 protein (p.Val790Met).